The following is an entry in ClinVar:

NM_001243133.2(NLRP3):c.523C>G (p.His175Asp)

Gene: NLRP3 (NLR family pyrin domain containing 3; plus strand). Cytogenetic location: 1q44.
Variant type: single nucleotide variant.
Coding change: c.523C>G on transcript NM_001243133.2 (MANE Select); coding-DNA position 523, C replaced by G.
Protein change: p.His175Asp; replaces histidine 175 with aspartic acid.
Molecular consequence: missense variant.
Genome position (GRCh38, 1-based): chr1:247,423,972, C>G. VCF-style: chr1-247423972-C-G. GRCh37 (hg19) VCF-style: chr1-247587274-C-G.
Other names: c.523C>G, p.His175Asp (NM_001079821.3, NM_001127461.3, NM_001127462.3 and 1 more transcripts); c.529C>G, p.His177Asp (NM_004895.5); short protein forms H175D, H177D.
Identifiers: ClinVar variation 4056889 (VCV004056889.1).

ClinVar aggregate classification (germline): Uncertain significance (1 of 4 stars; one submission).

Submission:

GeneDx
Classification: Uncertain significance. Last evaluated: 2025-01-08. Review status: criteria provided, single submitter. Criteria: GeneDx Variant Classification Process June 2021. Collection method: clinical testing. Allele origin: germline. Affected: yes.
Comment: Not observed at significant frequency in large population cohorts (gnomAD); In silico analysis supports that this missense variant has a deleterious effect on protein structure/function; Has not been previously published as pathogenic or benign to our knowledge; Also known as p.(H175D)